The following is an entry in ClinVar:

NM_003079.5(SMARCE1):c.885G>C (p.Gln295His)

Gene: SMARCE1 (SWI/SNF related BAF chromatin remodeling complex subunit E1; minus strand). Cytogenetic location: 17q21.2.
Variant type: single nucleotide variant.
Coding change: c.885G>C on transcript NM_003079.5 (MANE Select); coding-DNA position 885, G replaced by C.
Protein change: p.Gln295His; replaces glutamine 295 with histidine.
Molecular consequence: missense variant.
Genome position (GRCh38, 1-based): chr17:40,630,856, C>G on the plus strand (G>C on the coding strand, the complement: SMARCE1 is on the minus strand). VCF-style: chr17-40630856-C-G. GRCh37 (hg19) VCF-style: chr17-38787108-C-G.
Other names: short protein forms Q295H.
Identifiers: ClinVar variation 4170312 (VCV004170312.1).

ClinVar aggregate classification (germline): Uncertain significance (1 of 4 stars; one submission).

Conditions:
Hereditary cancer-predisposing syndrome. Also called: Neoplastic Syndromes, Hereditary; Tumor predisposition; Hereditary Cancer Syndrome; Hereditary neoplastic syndrome. Identifiers: Orphanet 140162, MedGen C0027672, MeSH D009386, MONDO:0015356.

gnomAD v4.1: 4 of 1,614,014 alleles (0.00025%); highest among the groups gnomAD compares: Non-Finnish European, 0.00034%; no homozygotes.

Submission:

Ambry Genetics
Classification: Uncertain significance for Hereditary cancer-predisposing syndrome. Last evaluated: 2025-08-25. Review status: criteria provided, single submitter. Criteria: Ambry Variant Classification Scheme 2023. Collection method: clinical testing. Allele origin: germline.
Comment: The p.Q295H variant (also known as c.885G>C), located in coding exon 9 of the SMARCE1 gene, results from a G to C substitution at nucleotide position 885. The glutamine at codon 295 is replaced by histidine, an amino acid with highly similar properties. This amino acid position is conserved. In addition, this alteration is predicted to be tolerated by in silico analysis. Based on the available evidence, the clinical significance of this variant remains unclear.